The following is an entry in ClinVar:

NM_001367823.1(ARHGEF18):c.1820C>T (p.Pro607Leu)

Gene: ARHGEF18 (Rho/Rac guanine nucleotide exchange factor 18; plus strand). Cytogenetic location: 19p13.2.
Variant type: single nucleotide variant.
Coding change: c.1820C>T on transcript NM_001367823.1 (MANE Select); coding-DNA position 1820, C replaced by T.
Protein change: p.Pro607Leu; replaces proline 607 with leucine.
Molecular consequence: missense variant.
Genome position (GRCh38, 1-based): chr19:7,451,231, C>T. VCF-style: chr19-7451231-C-T. GRCh37 (hg19) VCF-style: chr19-7516117-C-T.
Other names: c.1094C>T, p.Pro365Leu (NM_001130955.2); c.782C>T, p.Pro261Leu (NM_001367824.1, NM_015318.4); short protein forms P261L, P365L, P607L.
Identifiers: ClinVar variation 1926450 (VCV001926450.5), dbSNP rs2512492575, ClinGen allele CA403110786.
Genomic context (GRCh38, chr19:7,451,231, plus strand): 5'-TGCGGCGGCTTGGCGTGCAGGAGTGCATTCTCCTGGTTACACAACGCATAACCAAATACC[C>T]AGTGCTGGTGGAGCGCATCATCCAGAACACGGAAGGTAGGCCTTCTCCCCACTGCCCCGC-3'
Protein context (NP_001354752.1, residues 597-617): LLVTQRITKY[Pro607Leu]VLVERIIQNT

ClinVar aggregate classification (germline): Uncertain significance (1 of 4 stars; one submission).

Submission:

Labcorp Genetics (formerly Invitae), Labcorp
Classification: Uncertain significance. Last evaluated: 2024-02-23. Review status: criteria provided, single submitter. Criteria: Invitae Variant Classification Sherloc (09022015). Collection method: clinical testing. Allele origin: germline.
Comment: This sequence change replaces proline, which is neutral and non-polar, with leucine, which is neutral and non-polar, at codon 419 of the ARHGEF18 protein (p.Pro419Leu). This variant is not present in population databases (gnomAD no frequency). This variant has not been reported in the literature in individuals affected with ARHGEF18-related conditions. ClinVar contains an entry for this variant (Variation ID: 1926450). An algorithm developed to predict the effect of missense changes on protein structure and function (PolyPhen-2) suggests that this variant is likely to be disruptive. In summary, the available evidence is currently insufficient to determine the role of this variant in disease. Therefore, it has been classified as a Variant of Uncertain Significance.